The following is an entry in ClinVar:

ClinVar aggregate classification (germline): Uncertain significance. Review status: criteria provided, multiple submitters, no conflicts (2 of 4 stars). 2 submissions from 2 submitters: Uncertain significance (2). Last evaluated 2024-12-06.

Conditions:
Inborn genetic diseases. Identifiers: MedGen C0950123, MeSH D030342.

Allele frequency attached by ClinVar (database versions not stated): gnomAD exomes below 0.00001; TOPMed below 0.00001; gnomAD 0.00001.
gnomAD v4.1: 3 of 1,612,128 alleles (0.00019%); highest among the groups gnomAD compares: Admixed American, 0.0017%; no homozygotes.

Submissions (2):

Ambry Genetics
Classification: Uncertain significance for Inborn genetic diseases. Last evaluated: 2024-12-06. Review status: criteria provided, single submitter. Criteria: Ambry Variant Classification Scheme 2023. Collection method: clinical testing. Allele origin: germline.
Comment: The p.A26V variant (also known as c.77C>T), located in coding exon 2 of the ERCC6L2 gene, results from a C to T substitution at nucleotide position 77. The alanine at codon 26 is replaced by valine, an amino acid with similar properties. This amino acid position is conserved. In addition, this alteration is predicted to be tolerated by in silico analysis. Based on the available evidence, the clinical significance of this variant remains unclear.

Labcorp Genetics (formerly Invitae), Labcorp
Classification: Uncertain significance. Last evaluated: 2023-07-07. Review status: criteria provided, single submitter. Criteria: Invitae Variant Classification Sherloc (09022015). Collection method: clinical testing. Allele origin: germline.
Comment: This sequence change replaces alanine, which is neutral and non-polar, with valine, which is neutral and non-polar, at codon 37 of the ERCC6L2 protein (p.Ala37Val). This variant is present in population databases (no rsID available, gnomAD 0.003%). This variant has not been reported in the literature in individuals affected with ERCC6L2-related conditions. ClinVar contains an entry for this variant (Variation ID: 1506440). Algorithms developed to predict the effect of missense changes on protein structure and function output the following: SIFT: "Not Available"; PolyPhen-2: "Not Available"; Align-GVGD: "Not Available". The valine amino acid residue is found in multiple mammalian species, which suggests that this missense change does not adversely affect protein function. In summary, the available evidence is currently insufficient to determine the role of this variant in disease. Therefore, it has been classified as a Variant of Uncertain Significance.

NM_020207.7(ERCC6L2):c.77C>T (p.Ala26Val)

Gene: ERCC6L2 (ERCC excision repair 6 like 2; plus strand). Cytogenetic location: 9q22.32.
Variant type: single nucleotide variant.
Coding change: c.77C>T on transcript NM_020207.7 (MANE Select); coding-DNA position 77, C replaced by T.
Protein change: p.Ala26Val; replaces alanine 26 with valine.
Molecular consequence: missense variant. On other transcripts: non-coding transcript variant (1).
Genome position (GRCh38, 1-based): chr9:95,880,899, C>T. VCF-style: chr9-95880899-C-T. GRCh37 (hg19) VCF-style: chr9-98643181-C-T.
Other names: c.77C>T, p.Ala26Val (NM_001010895.4, NM_001375291.1, NM_001375292.1 and 2 more transcripts); short protein forms A26V.
Identifiers: ClinVar variation 1506440 (VCV001506440.7), dbSNP rs1317606477, ClinGen allele CA374116592.